The following is an entry in ClinVar:

ClinVar aggregate classification (germline): Uncertain significance. Review status: criteria provided, multiple submitters, no conflicts (2 of 4 stars). 2 submissions from 2 submitters: Uncertain significance (2). Last evaluated 2025-10-14.

Conditions:
Beckwith-Wiedemann syndrome (BWS). Also called: EMG SYNDROME; Exomphalos macroglossia gigantism syndrome. Identifiers: Orphanet 116, MedGen C0004903, MONDO:0007534, OMIM 130650.
IMAGe syndrome. Also called: Intrauterine growth retardation, metaphyseal dysplasia, adrenal hypoplasia congenita, and genital anomalies; Intrauterine Growth Restriction, Metaphyseal Dysplasia, Adrenal Hypoplasia Congenita, and Genital Anomalies. Identifiers: Orphanet 85173, MedGen C1846009, MONDO:0013873, OMIM 614732.

gnomAD v4.1: 1 of 1,499,106 alleles (0.000067%); highest among the groups gnomAD compares: Non-Finnish European, 0.000089%; no homozygotes.

Submissions (2):

Labcorp Genetics (formerly Invitae), Labcorp
Classification: Uncertain significance for Beckwith-Wiedemann syndrome. Last evaluated: 2025-10-14. Review status: criteria provided, single submitter. Criteria: Invitae Variant Classification Sherloc (09022015). Collection method: clinical testing. Allele origin: germline.
Comment: This sequence change replaces arginine, which is basic and polar, with cysteine, which is neutral and slightly polar, at codon 279 of the CDKN1C protein (p.Arg279Cys). This variant is not present in population databases (gnomAD no frequency). This variant has not been reported in the literature in individuals affected with CDKN1C-related conditions. Invitae Evidence Modeling of protein sequence and biophysical properties (such as structural, functional, and spatial information, amino acid conservation, physicochemical variation, residue mobility, and thermodynamic stability) has been performed for this missense variant. However, the output from this modeling did not meet the statistical confidence thresholds required to predict the impact of this variant on CDKN1C protein function. This variant disrupts the p.Arg279 amino acid residue in CDKN1C. Other variant(s) that disrupt this residue have been determined to be pathogenic (PMID: 24065356, 31976094). This suggests that this residue is clinically significant, and that variants that disrupt this residue are likely to be disease-causing. In summary, the available evidence is currently insufficient to determine the role of this variant in disease. Therefore, it has been classified as a Variant of Uncertain Significance.

3billion
Classification: Uncertain significance for IMAGe syndrome. Last evaluated: 2024-08-12. Review status: criteria provided, single submitter. Criteria: ACMG Guidelines, 2015. Collection method: clinical testing. Allele origin: germline. Affected: yes.
Comment: The variant is observed at an extremely low frequency in the gnomAD v4.0.0 dataset (total allele frequency: <0.001%). Predicted Consequence/Location: Missense variant In silico tool predictions suggest damaging effect of the variant on gene or gene product [REVEL: 0.75 (>=0.6, sensitivity 0.68 and specificity 0.92); 3Cnet: 0.81 (>=0.6, sensitivity 0.72 and precision 0.9)]. Different missense changes at the same codon (p.Arg268His, p.Arg268Leu, p.Arg268Pro, p.Arg268Ser) have been reported as pathogenic/likely pathogenic with strong evidence (ClinVar ID: VCV000035530, VCV000192361, VCV000986832 /PMID: 22634751, 24065356, 33076988, 37469742). Therefore, this variant is classified as VUS according to the recommendation of ACMG/AMP guideline.

Literature cited by the submitters: PubMed 24065356 (cited by Labcorp Genetics (formerly Invitae), Labcorp); PubMed 31976094 (cited by Labcorp Genetics (formerly Invitae), Labcorp); PubMed 22634751 (cited by 3billion).

NM_001122630.2(CDKN1C):c.802C>T (p.Arg268Cys)

Gene: CDKN1C (cyclin dependent kinase inhibitor 1C; minus strand). Cytogenetic location: 11p15.4.
Variant type: single nucleotide variant.
Coding change: c.802C>T on transcript NM_001122630.2 (MANE Select); coding-DNA position 802, C replaced by T.
Protein change: p.Arg268Cys; replaces arginine 268 with cysteine.
Molecular consequence: missense variant. On other transcripts: synonymous variant (1).
Genome position (GRCh38, 1-based): chr11:2,884,120, G>A on the plus strand (C>T on the coding strand, the complement: CDKN1C is on the minus strand). VCF-style: chr11-2884120-G-A. GRCh37 (hg19) VCF-style: chr11-2905350-G-A.
Other names: c.802C>T, p.Arg268Cys (NM_001122631.2); c.835C>T, p.Arg279Cys (NM_001362474.2, NM_000076.2); c.270C>T, p.Ser90= (NM_001362475.2); short protein forms R268C, R279C.
Identifiers: ClinVar variation 4293769 (VCV004293769.2).